The following is an entry in ClinVar:

ClinVar aggregate classification (germline): Uncertain significance (1 of 4 stars; one submission).

Submission:

Labcorp Genetics (formerly Invitae), Labcorp
Classification: Uncertain significance. Last evaluated: 2025-06-06. Review status: criteria provided, single submitter. Criteria: Invitae Variant Classification Sherloc (09022015). Collection method: clinical testing. Allele origin: germline.
Comment: This sequence change replaces cysteine, which is neutral and slightly polar, with arginine, which is basic and polar, at codon 1725 of the FBN3 protein (p.Cys1725Arg). This variant is not present in population databases (gnomAD no frequency). This variant has not been reported in the literature in individuals affected with FBN3-related conditions. Invitae Evidence Modeling of protein sequence and biophysical properties (such as structural, functional, and spatial information, amino acid conservation, physicochemical variation, residue mobility, and thermodynamic stability) indicates that this missense variant is expected to disrupt FBN3 protein function with a positive predictive value of 80%. In summary, the available evidence is currently insufficient to determine the role of this variant in disease. Therefore, it has been classified as a Variant of Uncertain Significance.

NM_032447.5(FBN3):c.5173T>C (p.Cys1725Arg)

Gene: FBN3 (fibrillin 3; minus strand). Cytogenetic location: 19p13.2.
Variant type: single nucleotide variant.
Coding change: c.5173T>C on transcript NM_032447.5 (MANE Select); coding-DNA position 5173, T replaced by C.
Protein change: p.Cys1725Arg; replaces cysteine 1725 with arginine.
Molecular consequence: missense variant.
Genome position (GRCh38, 1-based): chr19:8,097,403, A>G on the plus strand (T>C on the coding strand, the complement: FBN3 is on the minus strand). VCF-style: chr19-8097403-A-G. GRCh37 (hg19) VCF-style: chr19-8162287-A-G.
Other names: c.5173T>C, p.Cys1725Arg (NM_001321431.2); short protein forms C1725R.
Identifiers: ClinVar variation 4739474 (VCV004739474.1).
Genomic context (GRCh38, chr19:8,097,403, plus strand): 5'-GGAAACTCCCGATCTGGTTTATGCAGATGCCATTGGCACAGATGGCGGGGATCTCCCCAC[A>G]CTCATCAATGTCTGCAGAAGGCATCTGCCATCAGGGGCAGCCCAGCCCCCTGGGACTTCC-3'
Protein context (NP_115823.3, residues 1715-1735): HTGKPLDIDE[Cys1725Arg]GEIPAICANG